The following is an entry in ClinVar:

ClinVar aggregate classification (germline): Uncertain significance (1 of 4 stars; one submission).

Conditions:
Kabuki syndrome 1 (KABUK1). Also called: KMT2D-Related Kabuki Syndrome. Identifiers: Orphanet 2322, MedGen CN030661, MONDO:0007843, OMIM 147920.

Submission:

Centre for Mendelian Genomics, University Medical Centre Ljubljana
Classification: Uncertain significance for Kabuki syndrome 1. Last evaluated: 2016-01-01. Review status: criteria provided, single submitter. Criteria: ACMG Guidelines, 2015. Collection method: clinical testing. Allele origin: unknown. Affected: yes.
Comment: This variant was classified as: Uncertain significance. The following ACMG criteria were applied in classifying this variant: PM2,PP3.

NM_003482.4(KMT2D):c.14152G>A (p.Glu4718Lys)

Gene: KMT2D (lysine methyltransferase 2D; minus strand). Cytogenetic location: 12q13.12.
Variant type: single nucleotide variant.
Coding change: c.14152G>A on transcript NM_003482.4 (MANE Select); coding-DNA position 14152, G replaced by A.
Protein change: p.Glu4718Lys; replaces glutamic acid 4718 with lysine.
Molecular consequence: missense variant.
Genome position (GRCh38, 1-based): chr12:49,029,160, C>T on the plus strand (G>A on the coding strand, the complement: KMT2D is on the minus strand). VCF-style: chr12-49029160-C-T. GRCh37 (hg19) VCF-style: chr12-49422943-C-T.
Other names: short protein forms E4718K.
Identifiers: ClinVar variation 930308 (VCV000930308.3), dbSNP rs1942759475, ClinGen allele CA384697394.
Genomic context (GRCh38, chr12:49,029,160, plus strand): 5'-AGAGGGCCCGGTCCTCTTGCTCCCACCGGCCTGAGCCCAGATGAGGGAAACGAGGGGCCT[C>T]CTCCCCCAAGATGCTCTCAGGGGATGAAGCTGGCACAATGCTGTCAGGAGAATCGCTATC-3'
Protein context (NP_003473.3, residues 4708-4728): ASSPESILGE[Glu4718Lys]APRFPHLGSG